The following is an entry in ClinVar:

ClinVar aggregate classification (germline): Uncertain significance (1 of 4 stars; one submission).

Conditions:
Cardiovascular phenotype. Identifiers: MedGen CN230736.

Allele frequency attached by ClinVar (database versions not stated): TOPMed below 0.00001; gnomAD exomes 0.00001; ExAC 0.00006.
gnomAD v4.1: 9 of 1,550,246 alleles (0.00058%); highest among the groups gnomAD compares: South Asian, 0.011%; no homozygotes.

Submission:

Ambry Genetics
Classification: Uncertain significance for Cardiovascular phenotype. Last evaluated: 2023-03-08. Review status: criteria provided, single submitter. Criteria: Ambry Variant Classification Scheme 2023. Collection method: clinical testing. Allele origin: germline.
Comment: The p.S3746N variant (also known as c.11237G>A), located in coding exon 2 of the ZNF469 gene, results from a G to A substitution at nucleotide position 11237. The serine at codon 3746 is replaced by asparagine, an amino acid with highly similar properties. This amino acid position is conserved. In addition, this alteration is predicted to be tolerated by in silico analysis. Since supporting evidence is limited at this time, the clinical significance of this alteration remains unclear.

NM_001367624.2(ZNF469):c.11321G>A (p.Ser3774Asn)

Gene: ZNF469 (zinc finger protein 469; plus strand). Cytogenetic location: 16q24.2.
Variant type: single nucleotide variant.
Coding change: c.11321G>A on transcript NM_001367624.2 (MANE Select); coding-DNA position 11321, G replaced by A.
Protein change: p.Ser3774Asn; replaces serine 3774 with asparagine.
Molecular consequence: missense variant.
Genome position (GRCh38, 1-based): chr16:88,438,791, G>A. VCF-style: chr16-88438791-G-A. GRCh37 (hg19) VCF-style: chr16-88505199-G-A.
Other names: NM_001127464.1:c.11237G>A; short protein forms S3774N.
Identifiers: ClinVar variation 2449534 (VCV002449534.2), dbSNP rs765475094, ClinGen allele CA8225602.